The following is an entry in ClinVar:

ClinVar aggregate classification (germline): Pathogenic (1 of 4 stars; one submission).

Submission:

GeneDx
Classification: Pathogenic. Last evaluated: 2025-06-03. Review status: criteria provided, single submitter. Criteria: GeneDx Variant Classification Process June 2021. Collection method: clinical testing. Allele origin: germline. Affected: yes.
Comment: Has not been previously published as pathogenic or benign to our knowledge; Nonsense variant predicted to result in protein truncation or nonsense mediated decay in a gene for which loss of function is a known mechanism of disease; Not observed at significant frequency in large population cohorts (gnomAD)

NM_001291415.2(KDM6A):c.548_549del (p.Asp182_Tyr183insTer)

Gene: KDM6A (lysine demethylase 6A; plus strand). Cytogenetic location: Xp11.3.
Variant type: Deletion.
Coding change: c.548_549del on transcript NM_001291415.2 (MANE Select); coding-DNA positions 548 to 549, 2 bases deleted (AT; older notation c.548_549delAT).
Protein change: p.Asp182_Tyr183insTer.
Molecular consequence: nonsense. On other transcripts: non-coding transcript variant (1), intron variant (1).
Genome position (GRCh38, 1-based): chrX:45,020,714-45,020,715, AT deleted; deleting any 2 consecutive bases within chrX:45,020,713-45,020,715 gives the same sequence; the c. name uses the placement nearest the transcript's 3' end. VCF-style (leftmost placement, unchanged base first): chrX-45020712-CTA-C. GRCh37 (hg19) VCF-style: chrX-44879957-CTA-C.
Other names: c.548_549del, p.Asp182_Tyr183insTer (NM_001291416.2, NM_001291417.2, NM_001291418.2 and 9 more transcripts); c.-190+9695_-190+9696del (NM_001291421.2).
Identifiers: ClinVar variation 4536283 (VCV004536283.1).